The following is an entry in ClinVar:

NM_002637.4(PHKA1):c.665G>T (p.Gly222Val)

Gene: PHKA1 (phosphorylase kinase regulatory subunit alpha 1; minus strand). Cytogenetic location: Xq13.1.
Variant type: single nucleotide variant.
Coding change: c.665G>T on transcript NM_002637.4 (MANE Select); coding-DNA position 665, G replaced by T.
Protein change: p.Gly222Val; replaces glycine 222 with valine.
Molecular consequence: missense variant.
Genome position (GRCh38, 1-based): chrX:72,667,427, C>A on the plus strand (G>T on the coding strand, the complement: PHKA1 is on the minus strand). VCF-style: chrX-72667427-C-A. GRCh37 (hg19) VCF-style: chrX-71887277-C-A.
Other names: c.665G>T, p.Gly222Val (NM_001122670.2, NM_001172436.2); short protein forms G222V.
Identifiers: ClinVar variation 1958743 (VCV001958743.5), dbSNP rs2522666944, ClinGen allele CA413594516.

ClinVar aggregate classification (germline): Uncertain significance (1 of 4 stars; one submission).

Conditions:
Glycogen storage disease IXd (GSD9D). Also called: GSD IXd; Muscle Phosphorylase Kinase Deficiency. Identifiers: Orphanet 715, MedGen C1845151, MONDO:0010362, OMIM 300559.

Submission:

Labcorp Genetics (formerly Invitae), Labcorp
Classification: Uncertain significance for Glycogen storage disease IXd. Last evaluated: 2022-01-03. Review status: criteria provided, single submitter. Criteria: Invitae Variant Classification Sherloc (09022015). Collection method: clinical testing. Allele origin: germline.
Comment: This variant is not present in population databases (gnomAD no frequency). In summary, the available evidence is currently insufficient to determine the role of this variant in disease. Therefore, it has been classified as a Variant of Uncertain Significance. Algorithms developed to predict the effect of missense changes on protein structure and function are either unavailable or do not agree on the potential impact of this missense change (SIFT: "Deleterious"; PolyPhen-2: "Probably Damaging"; Align-GVGD: "Class C0"). This variant has not been reported in the literature in individuals affected with PHKA1-related conditions. This sequence change replaces glycine, which is neutral and non-polar, with valine, which is neutral and non-polar, at codon 222 of the PHKA1 protein (p.Gly222Val).